The following is an entry in ClinVar:

ClinVar aggregate classification (germline): Likely benign. Review status: criteria provided, multiple submitters, no conflicts (2 of 4 stars). 2 submissions from 2 submitters: Likely benign (2). Last evaluated 2025-09-26.

Conditions:
Developmental and epileptic encephalopathy 94 (DEE94). Also called: CHD2-Related Neurodevelopmental Disorders; Epileptic encephalopathy, childhood-onset. Identifiers: Orphanet 1942, Orphanet 2382, MedGen C3809278, MONDO:0014150, OMIM 615369.

Submissions (2):

Labcorp Genetics (formerly Invitae), Labcorp
Classification: Likely benign for Developmental and epileptic encephalopathy 94. Last evaluated: 2025-09-26. Review status: criteria provided, single submitter. Criteria: Invitae Variant Classification Sherloc (09022015). Collection method: clinical testing. Allele origin: germline.

GeneDx
Classification: Likely benign. Last evaluated: 2017-04-12. Review status: criteria provided, single submitter. Criteria: GeneDx Variant Classification (06012015). Collection method: clinical testing. Allele origin: germline. Affected: yes.
Comment: This variant is considered likely benign or benign based on one or more of the following criteria: it is a conservative change, it occurs at a poorly conserved position in the protein, it is predicted to be benign by multiple in silico algorithms, and/or has population frequency not consistent with disease.

NM_001271.4(CHD2):c.4138-19_4138-18delinsTA

Gene: CHD2 (chromodomain helicase DNA binding protein 2; plus strand). Cytogenetic location: 15q26.1.
Variant type: Indel.
Coding change: c.4138-19_4138-18delinsTA on transcript NM_001271.4 (MANE Select); 19 bases into the intron before coding-DNA position 4138 through 18 bases into the intron before coding-DNA position 4138, GC replaced by TA.
Molecular consequence: intron variant.
Genome position (GRCh38, 1-based): chr15:93,002,158-93,002,159, GC replaced by TA. VCF-style: chr15-93002158-GC-TA. GRCh37 (hg19) VCF-style: chr15-93545388-GC-TA.
Identifiers: ClinVar variation 508823 (VCV000508823.9), dbSNP rs1555444947, ClinGen allele CA658798439.